The following is an entry in ClinVar:

NM_001177316.2(SLC34A3):c.579G>A (p.Ala193=)

Gene: SLC34A3 (solute carrier family 34 member 3; plus strand). Cytogenetic location: 9q34.3.
Variant type: single nucleotide variant.
Coding change: c.579G>A on transcript NM_001177316.2 (MANE Select); coding-DNA position 579, G replaced by A.
Protein change: p.Ala193=; no amino-acid change (alanine 193 retained).
Molecular consequence: synonymous variant.
Genome position (GRCh38, 1-based): chr9:137,233,227, G>A. VCF-style: chr9-137233227-G-A. GRCh37 (hg19) VCF-style: chr9-140127679-G-A.
Other names: c.579G>A, p.Ala193= (NM_001177317.2, NM_080877.3).
Identifiers: ClinVar variation 1568263 (VCV001568263.10), dbSNP rs746906973, ClinGen allele CA5364495.

ClinVar aggregate classification (germline): Likely benign. Review status: criteria provided, multiple submitters, no conflicts (2 of 4 stars). 2 submissions from 2 submitters: Likely benign (2). Last evaluated 2026-04-01.

Allele frequency attached by ClinVar (database versions not stated): TOPMed 0.00002; gnomAD 0.00003; gnomAD exomes 0.00008.

Submissions (2):

CeGaT Center for Human Genetics Tuebingen
Classification: Likely benign. Last evaluated: 2026-04-01. Review status: criteria provided, single submitter. Criteria: CeGaT Center For Human Genetics Tuebingen Variant Classification Criteria Version 2. Collection method: clinical testing. Allele origin: germline. Affected: yes. Observed: 1 variant allele.
Comment: SLC34A3: BP4, BP7

Labcorp Genetics (formerly Invitae), Labcorp
Classification: Likely benign. Last evaluated: 2025-03-06. Review status: criteria provided, single submitter. Criteria: Invitae Variant Classification Sherloc (09022015). Collection method: clinical testing. Allele origin: germline.